The following is an entry in ClinVar:

NM_012401.4(PLXNB2):c.5197-337_5310del

Gene: PLXNB2 (plexin B2; minus strand). Cytogenetic location: 22q13.33.
Variant type: Deletion.
Coding change: c.5197-337_5310del on transcript NM_012401.4 (MANE Select); 337 bases into the intron before coding-DNA position 5197 through coding-DNA position 5310, 588 bases deleted.
Molecular consequence: splice acceptor variant, splice donor variant.
Genome position (GRCh38, 1-based): chr22:50,276,656-50,277,243, 588 bases deleted. GRCh37 (hg19): chr22:50,715,085-50,715,672.
Other names: c.5197-337_5310del (NM_001376869.1, NM_001376875.1, NM_001376881.1 and 14 more transcripts); c.5104-337_5217del (NM_001376886.1); c.5119-337_5232del (NM_001376885.1, NM_001376884.1); c.5266-337_5379del (NM_001376865.1); c.5173-337_5286del (NM_001376883.1); c.5434-337_5547del (NM_001376864.1).
Identifiers: ClinVar variation 1895427 (VCV001895427.1), dbSNP rs2519387409, ClinGen allele CA2580615579.

ClinVar aggregate classification (germline): Pathogenic (0 of 4 stars; one submission).

Submission:

Leeds Amelogenesis Imperfecta Research Group, University of Leeds
Classification: Pathogenic. Last evaluated: 2023-01-04. Review status: no assertion criteria provided. Collection method: research. Allele origin: biparental. Inheritance: Autosomal recessive inheritance. Affected: yes. Observed: 1 homozygote. Segregation with disease observed.
Comment: Variant not indentified in Conrad et al. catalogue of CNVs